The following is an entry in ClinVar:

NM_025233.7(COASY):c.600dup (p.Asp201Ter)

Gene: COASY (Coenzyme A synthase; plus strand). Cytogenetic location: 17q21.2.
Variant type: Duplication.
Coding change: c.600dup on transcript NM_025233.7 (MANE Select); coding-DNA position 600, one base duplicated (T; older notation c.600dupT).
Protein change: p.Asp201Ter; replaces aspartic acid 201 with a stop codon.
Molecular consequence: nonsense.
Genome position (GRCh38, 1-based): chr17:42,563,222, T duplicated; the last of 3 consecutive T bases (chr17:42,563,220-42,563,222); duplicating any one gives the same sequence. VCF-style (leftmost placement, unchanged base first): chr17-42563219-G-GT. GRCh37 (hg19) VCF-style: chr17-40715237-G-GT.
Other names: c.600dup, p.Asp201Ter (NM_001042529.3); c.687dup, p.Asp230Ter (NM_001042532.4); short protein forms D201*, D230*.
Identifiers: ClinVar variation 4704971 (VCV004704971.3).

ClinVar aggregate classification (germline): Pathogenic/Likely pathogenic. Review status: criteria provided, multiple submitters, no conflicts (2 of 4 stars). 2 submissions from 2 submitters: Pathogenic (1); Likely pathogenic (1). Last evaluated 2025-12-01.

Conditions:
Neurodegeneration with brain iron accumulation 6 (NBIA6). Also called: COASY protein-associated neurodegeneration. Identifiers: Orphanet 397725, MedGen C4517377, MONDO:0014290, OMIM 615643.

Submissions (2):

Labcorp Genetics (formerly Invitae), Labcorp
Classification: Pathogenic for Neurodegeneration with brain iron accumulation 6. Last evaluated: 2025-12-01. Review status: criteria provided, single submitter. Criteria: Invitae Variant Classification Sherloc (09022015). Collection method: clinical testing. Allele origin: germline.
Comment: This sequence change creates a premature translational stop signal (p.Asp201*) in the COASY gene. It is expected to result in an absent or disrupted protein product. Loss-of-function variants in COASY are known to be pathogenic (PMID: 24360804, 30089828). This variant is not present in population databases (gnomAD no frequency). This variant has not been reported in the literature in individuals affected with COASY-related conditions. For these reasons, this variant has been classified as Pathogenic.

Dasa
Classification: Likely pathogenic. Last evaluated: 2025-09-12. Review status: criteria provided, single submitter. Criteria: DASA Assertion Criteria. Collection method: clinical testing. Allele origin: germline.
Comment: NM_025233.7(COASY):c.600dup (p.Asp201*) is a frameshift variant in COASY predicted to alter the reading frame and introduce a premature termination codon and is predicted to result in an absent or altered protein product. Loss of function is an established disease mechanism for COASY-associated disorders. Also, this variant is rare in population databases. Based on the currently available evidence, this variant is classified as likely pathogenic.

Literature cited by the submitters: PubMed 24360804 (cited by Labcorp Genetics (formerly Invitae), Labcorp); PubMed 30089828 (cited by Labcorp Genetics (formerly Invitae), Labcorp).